The following is an entry in ClinVar:

ClinVar aggregate classification (germline): Uncertain significance (1 of 4 stars; one submission).

Conditions:
Congenital myasthenic syndrome 18. Also called: MYASTHENIC SYNDROME, CONGENITAL, 18, WITH INTELLECTUAL DISABILITY AND ATAXIA. Identifiers: Orphanet 590, MedGen C4225364, MONDO:0014590, OMIM 616330.

Allele frequency attached by ClinVar (database versions not stated): TOPMed below 0.00001.

Submission:

Labcorp Genetics (formerly Invitae), Labcorp
Classification: Uncertain significance for Congenital myasthenic syndrome 18. Last evaluated: 2023-01-07. Review status: criteria provided, single submitter. Criteria: Invitae Variant Classification Sherloc (09022015). Collection method: clinical testing. Allele origin: germline.
Comment: This variant is not present in population databases (gnomAD no frequency). In summary, the available evidence is currently insufficient to determine the role of this variant in disease. Therefore, it has been classified as a Variant of Uncertain Significance. Algorithms developed to predict the effect of sequence changes on RNA splicing suggest that this variant may disrupt the consensus splice site. This variant has not been reported in the literature in individuals affected with SNAP25-related conditions. This sequence change affects codon 73 of the SNAP25 mRNA. It is a 'silent' change, meaning that it does not change the encoded amino acid sequence of the SNAP25 protein.

NM_130811.4(SNAP25):c.219A>G (p.Glu73=)

Gene: SNAP25 (synaptosome associated protein 25; plus strand). Cytogenetic location: 20p12.2.
Variant type: single nucleotide variant.
Coding change: c.219A>G on transcript NM_130811.4 (MANE Select); coding-DNA position 219, A replaced by G.
Protein change: p.Glu73=; no amino-acid change (glutamic acid 73 retained).
Molecular consequence: synonymous variant. On other transcripts: intron variant (3).
Genome position (GRCh38, 1-based): chr20:10,293,216, A>G. VCF-style: chr20-10293216-A-G. GRCh37 (hg19) VCF-style: chr20-10273864-A-G.
Other names: c.219A>G, p.Glu73= (NM_001322903.2, NM_001322904.2, NM_001322905.2 and 6 more transcripts); c.281+217A>G (NM_001424415.1, NM_003081.5, NM_001322902.2).
Identifiers: ClinVar variation 2911459 (VCV002911459.3), dbSNP rs1051273, ClinGen allele CA311800413.
Genomic context (GRCh38, chr20:10,293,216, plus strand): 5'-ATCAGAACAACTGGAACGCATTGAGGAAGGGATGGACCAAATCAATAAGGACATGAAAGA[A>G]GCAGAAAAGAATTTGACGGACCTAGGAAAATTCTGCGGGCTTTGTGTGTGTCCCTGTAAC-3'
Protein context (NP_570824.1, residues 63-83): GMDQINKDMK[Glu73=]AEKNLTDLGK